The following is an entry in ClinVar:

ClinVar aggregate classification (germline): Uncertain significance. Review status: criteria provided, multiple submitters, no conflicts (2 of 4 stars). 2 submissions from 2 submitters: Uncertain significance (2). Last evaluated 2023-12-02.

Conditions:
Hereditary cancer-predisposing syndrome. Also called: Neoplastic Syndromes, Hereditary; Tumor predisposition; Hereditary Cancer Syndrome; Hereditary neoplastic syndrome. Identifiers: Orphanet 140162, MedGen C0027672, MeSH D009386, MONDO:0015356.
Familial adenomatous polyposis 1 (FAP1). Also called: FAMILIAL ADENOMATOUS POLYPOSIS 1, ATTENUATED; POLYPOSIS, ADENOMATOUS INTESTINAL. Identifiers: MedGen C2713442, MONDO:0021056, OMIM 175100. Disease mechanism: loss of function.

Allele frequency attached by ClinVar (database versions not stated): ExAC 0.00001.
gnomAD v4.1: 1 of 1,613,904 alleles (0.000062%); highest among the groups gnomAD compares: South Asian, 0.0011%; no homozygotes.

Submissions (2):

Labcorp Genetics (formerly Invitae), Labcorp
Classification: Uncertain significance for Familial adenomatous polyposis 1. Last evaluated: 2023-12-02. Review status: criteria provided, single submitter. Criteria: Invitae Variant Classification Sherloc (09022015). Collection method: clinical testing. Allele origin: germline.
Comment: This sequence change replaces proline, which is neutral and non-polar, with threonine, which is neutral and polar, at codon 2251 of the APC protein (p.Pro2251Thr). This variant is present in population databases (rs777206261, gnomAD 0.003%). This variant has not been reported in the literature in individuals affected with APC-related conditions. ClinVar contains an entry for this variant (Variation ID: 1755244). Advanced modeling of protein sequence and biophysical properties (such as structural, functional, and spatial information, amino acid conservation, physicochemical variation, residue mobility, and thermodynamic stability) performed at Invitae indicates that this missense variant is not expected to disrupt APC protein function with a negative predictive value of 95%. In summary, the available evidence is currently insufficient to determine the role of this variant in disease. Therefore, it has been classified as a Variant of Uncertain Significance.

Ambry Genetics
Classification: Uncertain significance for Hereditary cancer-predisposing syndrome. Last evaluated: 2022-05-18. Review status: criteria provided, single submitter. Criteria: Ambry Variant Classification Scheme 2023. Collection method: clinical testing. Allele origin: germline.
Comment: The p.P2251T variant (also known as c.6751C>A), located in coding exon 15 of the APC gene, results from a C to A substitution at nucleotide position 6751. The proline at codon 2251 is replaced by threonine, an amino acid with highly similar properties. This amino acid position is conserved. In addition, in silico predictors for this gene do not accurately predict pathogenicity. Since supporting evidence is limited at this time, the clinical significance of this alteration remains unclear.

NM_000038.6(APC):c.6751C>A (p.Pro2251Thr)

Gene: APC (APC regulator of Wnt signaling pathway; plus strand). Cytogenetic location: 5q22.2.
Variant type: single nucleotide variant.
Coding change: c.6751C>A on transcript NM_000038.6 (MANE Select); coding-DNA position 6751, C replaced by A.
Protein change: p.Pro2251Thr; replaces proline 2251 with threonine.
Molecular consequence: missense variant.
Genome position (GRCh38, 1-based): chr5:112,842,345, C>A. VCF-style: chr5-112842345-C-A. GRCh37 (hg19) VCF-style: chr5-112178042-C-A.
Other names: c.6751C>A, p.Pro2251Thr (NM_001127510.3, NM_001354895.2, NM_001407450.1); c.6697C>A, p.Pro2233Thr (NM_001127511.3); c.6805C>A, p.Pro2269Thr (NM_001354896.2, NM_001407447.1, NM_001407448.1 and 1 more transcripts); c.6781C>A, p.Pro2261Thr (NM_001354897.2); c.6676C>A, p.Pro2226Thr (NM_001354898.2); c.6667C>A, p.Pro2223Thr (NM_001354899.2); c.6628C>A, p.Pro2210Thr (NM_001354900.2); c.6574C>A, p.Pro2192Thr (NM_001354901.2, NM_001407453.1); and 11 more; short protein forms P1867T, P2122T, P2125T, P2150T, P2160T, P2210T, P2226T, P2279T.
Identifiers: ClinVar variation 1755244 (VCV001755244.5), dbSNP rs777206261, ClinGen allele CA046012.